The following is an entry in ClinVar:

ClinVar aggregate classification (germline): Pathogenic. Review status: criteria provided, multiple submitters, no conflicts (2 of 4 stars). 8 submissions from 8 submitters: Pathogenic (7). 1 of the submissions does not count toward it. Last evaluated 2025-12-10.

Conditions:
Hereditary cancer-predisposing syndrome. Also called: Neoplastic Syndromes, Hereditary; Hereditary Cancer Syndrome; Tumor predisposition; Hereditary neoplastic syndrome. Identifiers: Orphanet 140162, MedGen C0027672, MeSH D009386, MONDO:0015356.
Bloom syndrome (BLM). Also called: Bloom-Torre-Machacek syndrome. Identifiers: Orphanet 125, MedGen C0005859, MONDO:0008876, OMIM 210900.

Allele frequency attached by ClinVar (database versions not stated): gnomAD 0.00002 and 0.00003; TOPMed 0.00002; ExAC 0.00002; gnomAD exomes 0.00001 and 0.00003.
gnomAD v4.1: 43 of 1,613,864 alleles (0.0027%); highest among the groups gnomAD compares: Non-Finnish European, 0.0036%; no homozygotes.

Submissions (8):

Myriad Genetics, Inc.
Classification: Pathogenic for Bloom syndrome. Last evaluated: 2025-12-10. Review status: criteria provided, single submitter. Criteria: Myriad Autosomal Dominant, Autosomal Recessive and X-Linked Classification Criteria (2023). Collection method: clinical testing. Allele origin: unknown.
Comment: This variant is considered pathogenic. This variant creates a termination codon and is predicted to result in premature protein truncation.

Natera, Inc.
Classification: Pathogenic for Bloom syndrome. Last evaluated: 2025-10-09. Review status: criteria provided, single submitter. Criteria: Natera Variant Classification Schema (03/2026). Collection method: clinical testing. Allele origin: germline.
Comment: The c.3415C>T variant in BLM is a nonsense variant predicted to introduce a stop codon at amino acid 1139. This variant is expected to result in nonsense mediated decay, truncation, or a dysfunctional protein product. This variant is rare in the general population with a frequency below the threshold expected for the associated phenotype(s). This variant has been observed in one or more individuals affected with the associated recessive disease, as either homozygous or compound heterozygous with a second variant (PMID: 24932421). Given the available evidence, this variant is classified as Pathogenic.

Labcorp Genetics (formerly Invitae), Labcorp
Classification: Pathogenic for Bloom syndrome. Last evaluated: 2025-09-27. Review status: criteria provided, single submitter. Criteria: Invitae Variant Classification Sherloc (09022015). Collection method: clinical testing. Allele origin: germline.
Comment: This sequence change creates a premature translational stop signal (p.Arg1139*) in the BLM gene. It is expected to result in an absent or disrupted protein product. Loss-of-function variants in BLM are known to be pathogenic (PMID: 17407155). The frequency data for this variant in the population databases is considered unreliable, as metrics indicate poor data quality at this position in the gnomAD database. This premature translational stop signal has been observed in individual(s) with Bloom syndrome (PMID: 17407155, 24932421). ClinVar contains an entry for this variant (Variation ID: 156484). For these reasons, this variant has been classified as Pathogenic.

GeneDx
Classification: Pathogenic. Last evaluated: 2025-04-18. Review status: criteria provided, single submitter. Criteria: GeneDx Variant Classification Process June 2021. Collection method: clinical testing. Allele origin: germline.
Comment: Observed with a second BLM variant in individuals with features consistent with Bloom syndrome (PMID: 17407155, 24932421); Observed in individuals with a personal history of cutaneous melanoma or colorectal cancer (PMID: 29625052, 31263571); Nonsense variant predicted to result in protein truncation or nonsense mediated decay in a gene for which loss of function is a known mechanism of disease; Not observed at significant frequency in large population cohorts (gnomAD); This variant is associated with the following publications: (PMID: 25525159, 29625052, 31263571, 33077847, 26247052, 17407155, 24932421, 38392574, 36451132)

Baylor Genetics
Classification: Pathogenic for Bloom syndrome. Last evaluated: 2023-11-20. Review status: criteria provided, single submitter. Criteria: ACMG Guidelines, 2015. Collection method: clinical testing. Allele origin: unknown.

Ambry Genetics
Classification: Pathogenic for Hereditary cancer-predisposing syndrome. Last evaluated: 2022-03-01. Review status: criteria provided, single submitter. Criteria: Ambry Variant Classification Scheme 2023. Collection method: clinical testing. Allele origin: germline.
Comment: The p.R1139* pathogenic mutation (also known as c.3415C>T), located in coding exon 17 of the BLM gene, results from a C to T substitution at nucleotide position 3415. This changes the amino acid from an arginine to a stop codon within coding exon 17. This alteration was reported in one individual from a cohort with a clinical diagnosis of Bloom syndrome (German J et al. Hum. Mutat., 2007 Aug;28:743-53). This alteration has also been identified in a patient with late stage cutaneous melanoma (Aoude LG et al. Sci Rep, 2020 10;10:17687). In addition to the information provided in the literature, this alteration is expected to result in loss of function by premature protein truncation or nonsense-mediated mRNA decay. As such, this alteration is interpreted as a disease-causing mutation.

Women's Health and Genetics/Laboratory Corporation of America, LabCorp
Classification: Pathogenic for Bloom syndrome. Last evaluated: 2021-06-26. Review status: criteria provided, single submitter. Criteria: LabCorp Variant Classification Summary - May 2015. Collection method: clinical testing. Allele origin: germline.
Comment: Variant summary: BLM c.3415C>T (p.Arg1139X) results in a premature termination codon, predicted to cause a truncation of the encoded protein or absence of the protein due to nonsense mediated decay, which are commonly known mechanisms for disease. Truncations downstream of this position have been classified as pathogenic by our laboratory. The variant allele was found at a frequency of 8e-06 in 251334 control chromosomes. c.3415C>T has been reported in the literature in individuals affected with Bloom Syndrome (e.g. German_2007, Adams_2013). These data indicate that the variant is likely to be associated with disease. To our knowledge, no experimental evidence demonstrating an impact on protein function has been reported. Two ClinVar submitters (evaluation after 2014) cite the variant as pathogenic. Based on the evidence outlined above, the variant was classified as pathogenic.

Pathway Genomics
Classification: Pathogenic for Bloom syndrome. Last evaluated: 2014-07-24. Review status: no assertion criteria provided. Collection method: clinical testing. Allele origin: germline. Not counted in ClinVar's aggregate classification.

Literature cited by the submitters: PubMed 24932421 (cited by 4 submitters); PubMed 17407155 (cited by 4 submitters); PubMed 25525159 (cited by Ambry Genetics); PubMed 26247052 (cited by Ambry Genetics); PubMed 33077847 (cited by Ambry Genetics); PubMed 29625052 (cited by Women's Health and Genetics/Laboratory Corporation of America, LabCorp); PubMed 20301572 (cited by Pathway Genomics).

NM_000057.4(BLM):c.3415C>T (p.Arg1139Ter)

Gene: BLM (BLM RecQ like helicase; plus strand). Cytogenetic location: 15q26.1.
Variant type: single nucleotide variant.
Coding change: c.3415C>T on transcript NM_000057.4 (MANE Select); coding-DNA position 3415, C replaced by T.
Protein change: p.Arg1139Ter; replaces arginine 1139 with a stop codon.
Molecular consequence: nonsense. On other transcripts: intron variant (1).
Genome position (GRCh38, 1-based): chr15:90,803,577, C>T. VCF-style: chr15-90803577-C-T. GRCh37 (hg19) VCF-style: chr15-91346807-C-T.
Other names: c.3415C>T, p.Arg1139Ter (NM_001287246.2); c.2290C>T, p.Arg764Ter (NM_001287248.2); c.3358+5240C>T (NM_001287247.2); c.3415C>T (LRG_20t1); short protein forms R1139*, R764*.
Identifiers: ClinVar variation 156484 (VCV000156484.27), dbSNP rs587783037, ClinGen allele CA270823.